The following is an entry in ClinVar:

NM_000138.5(FBN1):c.5611A>C (p.Ser1871Arg)

Gene: FBN1 (fibrillin 1; minus strand). Cytogenetic location: 15q21.1.
Variant type: single nucleotide variant.
Coding change: c.5611A>C on transcript NM_000138.5 (MANE Select); coding-DNA position 5611, A replaced by C.
Protein change: p.Ser1871Arg; replaces serine 1871 with arginine.
Molecular consequence: missense variant.
Genome position (GRCh38, 1-based): chr15:48,448,828, T>G on the plus strand (A>C on the coding strand, the complement: FBN1 is on the minus strand). VCF-style: chr15-48448828-T-G. GRCh37 (hg19) VCF-style: chr15-48741025-T-G.
Other names: short protein forms S1871R.
Identifiers: ClinVar variation 1172144 (VCV001172144.3), dbSNP rs2141252175, ClinGen allele CA392341989.
Genomic context (GRCh38, chr15:48,448,828, plus strand): 5'-CCAAGCACATGGTTTGGTCATCATTTGTTTTAAAACCAGTGTGGCAAAGGCAATAAAAGC[T>G]TCCAACTGTGTCAATGCACTGCCCATGACTGCATATATTGGGGATTTCTTGACATTCATT-3'
Protein context (NP_000129.3, residues 1861-1881): SHGQCIDTVG[Ser1871Arg]FYCLCHTGFK

ClinVar aggregate classification (germline): Uncertain significance (1 of 4 stars; one submission).

Conditions:
Familial thoracic aortic aneurysm and aortic dissection (TAAD). Also called: Thoracic aortic aneurysms and dissections. Identifiers: Orphanet 91387, MedGen C4707243, MONDO:0019625.

Submission:

Color Diagnostics, LLC DBA Color Health
Classification: Uncertain significance for Familial thoracic aortic aneurysm and aortic dissection. Last evaluated: 2024-03-07. Review status: criteria provided, single submitter. Criteria: ACMG Guidelines, 2015. Collection method: clinical testing. Allele origin: germline.
Comment: This missense variant replaces serine with arginine at codon 1871 of the FBN1 protein. Computational prediction suggests that this variant may have deleterious impact on protein structure and function (internally defined REVEL score threshold >= 0.7, PMID: 27666373). To our knowledge, functional studies have not been reported for this variant. This variant has not been reported in individuals affected with cardiovascular disorders in the literature. This variant has not been identified in the general population by the Genome Aggregation Database (gnomAD). The available evidence is insufficient to determine the role of this variant in disease conclusively. Therefore, this variant is classified as a Variant of Uncertain Significance.